The following is an entry in ClinVar:

ClinVar aggregate classification (germline): Uncertain significance (1 of 4 stars; one submission).

Conditions:
Hemochromatosis type 4 (HFE4). Also called: HEMOCHROMATOSIS DUE TO DEFECT IN FERROPORTIN; HEMOCHROMATOSIS, AUTOSOMAL DOMINANT; Ferroportin disease. Identifiers: Orphanet 139491, Orphanet 647834, Orphanet 648562, MedGen C1853733, MONDO:0011631, OMIM 606069.

Submission:

Labcorp Genetics (formerly Invitae), Labcorp
Classification: Uncertain significance for Hemochromatosis type 4. Last evaluated: 2024-08-31. Review status: criteria provided, single submitter. Criteria: Invitae Variant Classification Sherloc (09022015). Collection method: clinical testing. Allele origin: germline.
Comment: This sequence change replaces glycine, which is neutral and non-polar, with glutamic acid, which is acidic and polar, at codon 298 of the SLC40A1 protein (p.Gly298Glu). This variant is not present in population databases (gnomAD no frequency). This variant has not been reported in the literature in individuals affected with SLC40A1-related conditions. Invitae Evidence Modeling of protein sequence and biophysical properties (such as structural, functional, and spatial information, amino acid conservation, physicochemical variation, residue mobility, and thermodynamic stability) indicates that this missense variant is expected to disrupt SLC40A1 protein function with a positive predictive value of 80%. In summary, the available evidence is currently insufficient to determine the role of this variant in disease. Therefore, it has been classified as a Variant of Uncertain Significance.

NM_014585.6(SLC40A1):c.893G>A (p.Gly298Glu)

Gene: SLC40A1 (solute carrier family 40 member 1; minus strand). Cytogenetic location: 2q32.2.
Variant type: single nucleotide variant.
Coding change: c.893G>A on transcript NM_014585.6 (MANE Select); coding-DNA position 893, G replaced by A.
Protein change: p.Gly298Glu; replaces glycine 298 with glutamic acid.
Molecular consequence: missense variant.
Genome position (GRCh38, 1-based): chr2:189,564,093, C>T on the plus strand (G>A on the coding strand, the complement: SLC40A1 is on the minus strand). VCF-style: chr2-189564093-C-T. GRCh37 (hg19) VCF-style: chr2-190428819-C-T.
Other names: short protein forms G298E.
Identifiers: ClinVar variation 3664096 (VCV003664096.2).